The following is an entry in ClinVar:

NM_001012720.2(RGR):c.272A>G (p.His91Arg)

Gene: RGR (retinal G protein coupled receptor; plus strand). Cytogenetic location: 10q23.1.
Variant type: single nucleotide variant.
Coding change: c.272A>G on transcript NM_001012720.2 (MANE Select); coding-DNA position 272, A replaced by G.
Protein change: p.His91Arg; replaces histidine 91 with arginine.
Molecular consequence: missense variant.
Genome position (GRCh38, 1-based): chr10:84,248,957, A>G. VCF-style: chr10-84248957-A-G. GRCh37 (hg19) VCF-style: chr10-86008713-A-G.
Other names: c.272A>G, p.His91Arg (NM_001012722.2); c.284A>G, p.His95Arg (NM_002921.4); short protein forms H95R, H91R.
Identifiers: ClinVar variation 1451021 (VCV001451021.6), dbSNP rs1842781562, ClinGen allele CA377391102.

ClinVar aggregate classification (germline): Uncertain significance (1 of 4 stars; one submission).

Allele frequency attached by ClinVar (database versions not stated): TOPMed 0.00001.
gnomAD v4.1: 2 of 1,614,052 alleles (0.00012%); highest among the groups gnomAD compares: Admixed American, 0.0033%; no homozygotes.

Submission:

Labcorp Genetics (formerly Invitae), Labcorp
Classification: Uncertain significance. Last evaluated: 2025-10-21. Review status: criteria provided, single submitter. Criteria: Invitae Variant Classification Sherloc (09022015). Collection method: clinical testing. Allele origin: germline.
Comment: This sequence change replaces histidine, which is basic and polar, with arginine, which is basic and polar, at codon 91 of the RGR protein (p.His91Arg). This variant is not present in population databases (gnomAD no frequency). This variant has not been reported in the literature in individuals affected with RGR-related conditions. ClinVar contains an entry for this variant (Variation ID: 1451021). Experimental studies and prediction algorithms are not available or were not evaluated, and the functional significance of this variant is currently unknown. In summary, the available evidence is currently insufficient to determine the role of this variant in disease. Therefore, it has been classified as a Variant of Uncertain Significance.